The following is an entry in ClinVar:

ClinVar aggregate classification (germline): Uncertain significance. Review status: criteria provided, multiple submitters, no conflicts (2 of 4 stars). 2 submissions from 2 submitters: Uncertain significance (2). Last evaluated 2026-05-14.

Conditions:
VPS13B-related disorder. Also called: VPS13B-related condition.

Allele frequency attached by ClinVar (database versions not stated): gnomAD exomes below 0.00001 and 0.00001; TOPMed below 0.00001; ExAC 0.00001; gnomAD 0.00001.
gnomAD v4.1: 11 of 1,613,544 alleles (0.00068%); highest among the groups gnomAD compares: Non-Finnish European, 0.00093%; no homozygotes.

Submissions (2):

PreventionGenetics, part of Exact Sciences
Classification: Uncertain significance for VPS13B-related condition. Last evaluated: 2026-05-14. Review status: criteria provided, single submitter. Criteria: ACMG Guidelines, 2015. Collection method: clinical testing. Allele origin: germline.
Comment: The VPS13B c.502G>A variant is predicted to result in the amino acid substitution p.Val168Ile. To our knowledge, this variant has not been reported in the literature. This variant is reported in 0.00088% of alleles in individuals of European (Non-Finnish) descent in gnomAD. At this time, the clinical significance of this variant is uncertain due to the absence of conclusive functional and genetic evidence.

CeGaT Center for Human Genetics Tuebingen
Classification: Uncertain significance. Last evaluated: 2018-05-01. Review status: criteria provided, single submitter. Criteria: CeGaT Center For Human Genetics Tuebingen Variant Classification Criteria Version 2. Collection method: clinical testing. Allele origin: germline. Affected: yes. Observed: 1 variant allele.

NM_152564.5(VPS13B):c.502G>A (p.Val168Ile)

Gene: VPS13B (vacuolar protein sorting 13 homolog B; plus strand). Cytogenetic location: 8q22.2.
Variant type: single nucleotide variant.
Coding change: c.502G>A on transcript NM_152564.5 (MANE Select); coding-DNA position 502, G replaced by A.
Protein change: p.Val168Ile; replaces valine 168 with isoleucine.
Molecular consequence: missense variant. On other transcripts: non-coding transcript variant (1).
Genome position (GRCh38, 1-based): chr8:99,103,042, G>A. VCF-style: chr8-99103042-G-A. GRCh37 (hg19) VCF-style: chr8-100115270-G-A.
Other names: c.502G>A (NM_152564.4); c.502G>A, p.Val168Ile (NM_015243.3, NM_017890.5, NM_181661.3); short protein forms V168I.
Identifiers: ClinVar variation 624338 (VCV000624338.44), dbSNP rs750201290, ClinGen allele CA4822401.